The following is an entry in ClinVar:

ClinVar aggregate classification (germline): Uncertain significance (1 of 4 stars; one submission).

Allele frequency attached by ClinVar (database versions not stated): TOPMed below 0.00001.
gnomAD v4.1: 1 of 1,613,724 alleles (0.000062%); highest among the groups gnomAD compares: Non-Finnish European, 0.000085%; no homozygotes.

Submission:

Ambry Genetics
Classification: Uncertain significance. Last evaluated: 2023-10-27. Review status: criteria provided, single submitter. Criteria: Ambry Variant Classification Scheme 2023. Collection method: clinical testing. Allele origin: germline.
Comment: The p.V234F variant (also known as c.700G>T), located in coding exon 1 of the PALLD gene, results from a G to T substitution at nucleotide position 700. The valine at codon 234 is replaced by phenylalanine, an amino acid with highly similar properties. This amino acid position is conserved. In addition, this alteration is predicted to be tolerated by in silico analysis. Since supporting evidence is limited at this time, the clinical significance of this alteration remains unclear.

NM_001166108.2(PALLD):c.700G>T (p.Val234Phe)

Gene: PALLD (palladin, cytoskeletal associated protein; plus strand). Cytogenetic location: 4q32.3.
Variant type: single nucleotide variant.
Coding change: c.700G>T on transcript NM_001166108.2 (MANE Select); coding-DNA position 700, G replaced by T.
Protein change: p.Val234Phe; replaces valine 234 with phenylalanine.
Molecular consequence: missense variant.
Genome position (GRCh38, 1-based): chr4:168,512,204, G>T. VCF-style: chr4-168512204-G-T. GRCh37 (hg19) VCF-style: chr4-169433355-G-T.
Other names: c.700G>T, p.Val234Phe (NM_016081.4); short protein forms V234F.
Identifiers: ClinVar variation 1756681 (VCV001756681.2), dbSNP rs771616878, ClinGen allele CA109883671.
Genomic context (GRCh38, chr4:168,512,204, plus strand): 5'-CTGCTGAGTGCCTCAGCCAGCCAGAGCCCTATGGAAGACCAAGGGGAGATGGAAAGAGAG[G>T]TCAAGTCCCCTGGGGCCAGGCATTGCTACCAGGACAACCAGGACTTGGCAGTGCCACACA-3'
Protein context (NP_001159580.1, residues 224-244): MEDQGEMERE[Val234Phe]KSPGARHCYQ